The following is an entry in ClinVar:

NM_003126.4(SPTA1):c.974C>T (p.Ala325Val)

Gene: SPTA1 (spectrin alpha, erythrocytic 1; minus strand). Cytogenetic location: 1q23.1.
Variant type: single nucleotide variant.
Coding change: c.974C>T on transcript NM_003126.4 (MANE Select); coding-DNA position 974, C replaced by T.
Protein change: p.Ala325Val; replaces alanine 325 with valine.
Molecular consequence: missense variant.
Genome position (GRCh38, 1-based): chr1:158,676,279, G>A on the plus strand (C>T on the coding strand, the complement: SPTA1 is on the minus strand). VCF-style: chr1-158676279-G-A. GRCh37 (hg19) VCF-style: chr1-158646069-G-A.
Other names: short protein forms A325V.
Identifiers: ClinVar variation 4761740 (VCV004761740.1).

ClinVar aggregate classification (germline): Uncertain significance (1 of 4 stars; one submission).

Submission:

Labcorp Genetics (formerly Invitae), Labcorp
Classification: Uncertain significance. Last evaluated: 2025-12-24. Review status: criteria provided, single submitter. Criteria: Invitae Variant Classification Sherloc (09022015). Collection method: clinical testing. Allele origin: germline.
Comment: This sequence change replaces alanine, which is neutral and non-polar, with valine, which is neutral and non-polar, at codon 325 of the SPTA1 protein (p.Ala325Val). This variant is not present in population databases (gnomAD no frequency). This variant has not been reported in the literature in individuals affected with SPTA1-related conditions. Invitae Evidence Modeling of protein sequence and biophysical properties (such as structural, functional, and spatial information, amino acid conservation, physicochemical variation, residue mobility, and thermodynamic stability) indicates that this missense variant is not expected to disrupt SPTA1 protein function with a negative predictive value of 80%. In summary, the available evidence is currently insufficient to determine the role of this variant in disease. Therefore, it has been classified as a Variant of Uncertain Significance.